The following is an entry in ClinVar:

NM_000037.4(ANK1):c.4459G>A (p.Gly1487Ser)

Genes: ANK1 (ankyrin 1; minus strand), LOC126860368 (BRD4-independent group 4 enhancer GRCh37_chr8:41541049-41542248; plus strand). Cytogenetic location: 8p11.21.
Variant type: single nucleotide variant.
Coding change: c.4459G>A on transcript NM_000037.4 (MANE Select); coding-DNA position 4459, G replaced by A.
Protein change: p.Gly1487Ser; replaces glycine 1487 with serine.
Molecular consequence: missense variant.
Genome position (GRCh38, 1-based): chr8:41,684,622, C>T on the plus strand (G>A on the coding strand, the complement: ANK1 is on the minus strand). VCF-style: chr8-41684622-C-T. GRCh37 (hg19) VCF-style: chr8-41542140-C-T.
Other names: c.4582G>A, p.Gly1528Ser (NM_001142446.2); c.4459G>A, p.Gly1487Ser (NM_020475.3, NM_020476.3, NM_020477.3); short protein forms G1487S, G1528S.
Identifiers: ClinVar variation 2636909 (VCV002636909.4), dbSNP rs565043145, ClinGen allele CA4727547.

ClinVar aggregate classification (germline): Uncertain significance. Review status: criteria provided, multiple submitters, no conflicts (2 of 4 stars). 2 submissions from 2 submitters: Uncertain significance (2). Last evaluated 2023-07-18.

Conditions:
ANK1-related disorder. Also called: ANK1-related condition.

Allele frequency attached by ClinVar (database versions not stated): gnomAD 0.00003; ExAC 0.00005; 1000 Genomes Project 30x 0.00016; 1000 Genomes Project 0.00020.
gnomAD v4.1: 39 of 1,613,870 alleles (0.0024%); highest among the groups gnomAD compares: Middle Eastern, 0.016%; no homozygotes.

Submissions (2):

Labcorp Genetics (formerly Invitae), Labcorp
Classification: Uncertain significance. Last evaluated: 2023-07-18. Review status: criteria provided, single submitter. Criteria: Invitae Variant Classification Sherloc (09022015). Collection method: clinical testing. Allele origin: germline.
Comment: In summary, the available evidence is currently insufficient to determine the role of this variant in disease. Therefore, it has been classified as a Variant of Uncertain Significance. Algorithms developed to predict the effect of missense changes on protein structure and function output the following: SIFT: "Not Available"; PolyPhen-2: "Benign"; Align-GVGD: "Not Available". The serine amino acid residue is found in multiple mammalian species, which suggests that this missense change does not adversely affect protein function. This variant has not been reported in the literature in individuals affected with ANK1-related conditions. This variant is present in population databases (rs565043145, gnomAD 0.02%). This sequence change replaces glycine, which is neutral and non-polar, with serine, which is neutral and polar, at codon 1487 of the ANK1 protein (p.Gly1487Ser).

PreventionGenetics, part of Exact Sciences
Classification: Uncertain significance for ANK1-related condition. Last evaluated: 2022-10-25. Review status: criteria provided, single submitter. Criteria: ACMG Guidelines, 2015. Collection method: clinical testing. Allele origin: germline.
Comment: The ANK1 c.4459G>A variant is predicted to result in the amino acid substitution p.Gly1487Ser. To our knowledge, this variant has not been reported in the literature. This variant is reported in 0.020% of alleles in individuals of Latino descent in gnomAD. At this time, the clinical significance of this variant is uncertain due to the absence of conclusive functional and genetic evidence.